The following is an entry in ClinVar:

NM_031220.4(PITPNM3):c.943A>G (p.Ser315Gly)

Gene: PITPNM3 (PITPNM family member 3; minus strand). Cytogenetic location: 17p13.2.
Variant type: single nucleotide variant.
Coding change: c.943A>G on transcript NM_031220.4 (MANE Select); coding-DNA position 943, A replaced by G.
Protein change: p.Ser315Gly; replaces serine 315 with glycine.
Molecular consequence: missense variant.
Genome position (GRCh38, 1-based): chr17:6,477,171, T>C on the plus strand (A>G on the coding strand, the complement: PITPNM3 is on the minus strand). VCF-style: chr17-6477171-T-C. GRCh37 (hg19) VCF-style: chr17-6380491-T-C.
Other names: c.835A>G, p.Ser279Gly (NM_001165966.2); short protein forms S279G, S315G.
Identifiers: ClinVar variation 1059426 (VCV001059426.7), dbSNP rs778906391, ClinGen allele CA8329661.

ClinVar aggregate classification (germline): Uncertain significance (1 of 4 stars; one submission).

Allele frequency attached by ClinVar (database versions not stated): gnomAD exomes 0.00001 and 0.00006; ExAC 0.00002; gnomAD 0.00004; TOPMed 0.00008.
gnomAD v4.1: 22 of 1,614,092 alleles (0.0014%); highest among the groups gnomAD compares: Admixed American, 0.03%; no homozygotes.

Submission:

Labcorp Genetics (formerly Invitae), Labcorp
Classification: Uncertain significance. Last evaluated: 2025-03-10. Review status: criteria provided, single submitter. Criteria: Invitae Variant Classification Sherloc (09022015). Collection method: clinical testing. Allele origin: germline.
Comment: This sequence change replaces serine, which is neutral and polar, with glycine, which is neutral and non-polar, at codon 315 of the PITPNM3 protein (p.Ser315Gly). This variant is present in population databases (rs778906391, gnomAD 0.04%), and has an allele count higher than expected for a pathogenic variant. This variant has not been reported in the literature in individuals affected with PITPNM3-related conditions. ClinVar contains an entry for this variant (Variation ID: 1059426). An algorithm developed to predict the effect of missense changes on protein structure and function (PolyPhen-2) suggests that this variant is likely to be tolerated. In summary, the available evidence is currently insufficient to determine the role of this variant in disease. Therefore, it has been classified as a Variant of Uncertain Significance.